The following is an entry in ClinVar:

NM_001733.7(C1R):c.232-18del

Gene: C1R (complement C1r; minus strand). Cytogenetic location: 12p13.31.
Variant type: Deletion.
Coding change: c.232-18del on transcript NM_001733.7 (MANE Select); 18 bases into the intron before coding-DNA position 232, one base deleted (C; older notation c.232-18delC).
Molecular consequence: intron variant.
Genome position (GRCh38, 1-based): chr12:7,090,266, G deleted on the plus strand (C on the coding strand, the reverse complement: C1R is on the minus strand); the first of 5 consecutive G bases (chr12:7,090,266-7,090,270); deleting any one gives the same sequence. VCF-style (leftmost placement, unchanged base first): chr12-7090265-AG-A. GRCh37 (hg19) VCF-style: chr12-7242861-AG-A.
Other names: c.232-18delC (NM_001733.7); c.274-18del (NM_001354346.2).
Identifiers: ClinVar variation 4687764 (VCV004687764.1).
Genomic context (GRCh38, chr12:7,090,265, plus strand): 5'-AGTTGCCCACAGAACCTCCCCAGGCTTTTCTTATCAGCAGAGATCTGGTGGAAGAAGGAC[AG>A]GGGGTAGGAAGAAGATCTGTTGCGGAGTGGCGCACGTGGTGGCTCAGTGATGGTCCTCCT-3'

ClinVar aggregate classification (germline): Likely benign (1 of 4 stars; one submission).

Submission:

Women's Health and Genetics/Laboratory Corporation of America, LabCorp
Classification: Likely benign. Last evaluated: 2025-10-24. Review status: criteria provided, single submitter. Criteria: LabCorp Variant Classification Summary - May 2015. Collection method: clinical testing. Allele origin: germline.
Comment: Variant summary: C1R c.232-18delC alters a non-conserved nucleotide located in a homopolymeric tract at a position not widely known to affect splicing. Consensus agreement among computation tools predict no significant impact on normal splicing. However, these predictions have yet to be confirmed by functional studies. The frequency data for this variant in gnomAD is considered unreliable, as metrics indicate poor data quality at this position. To our knowledge, no occurrence of c.232-18delC in individuals affected with C1R-related conditions and no experimental evidence demonstrating its impact on protein function have been reported. No submitters have cited clinical-significance assessments for this variant to ClinVar. Based on the evidence outlined above, the variant was classified as likely benign.